The following is an entry in ClinVar:

ClinVar aggregate classification (germline): Uncertain significance. Review status: criteria provided, multiple submitters, no conflicts (2 of 4 stars). 3 submissions from 3 submitters: Uncertain significance (3). Last evaluated 2025-04-29.

Conditions:
Inborn genetic diseases. Identifiers: MedGen C0950123, MeSH D030342.
Holoprosencephaly sequence (HPE). Also called: Holoprosencephaly. Identifiers: Orphanet 2162, MedGen C0079541, MONDO:0016296, HP:0001360.

Allele frequency attached by ClinVar (database versions not stated): gnomAD exomes below 0.00001; TOPMed 0.00001.

Submissions (3):

Ambry Genetics
Classification: Uncertain significance for Inborn genetic diseases. Last evaluated: 2025-04-29. Review status: criteria provided, single submitter. Criteria: Ambry Variant Classification Scheme 2023. Collection method: clinical testing. Allele origin: germline.

Labcorp Genetics (formerly Invitae), Labcorp
Classification: Uncertain significance for Holoprosencephaly sequence. Last evaluated: 2025-02-26. Review status: criteria provided, single submitter. Criteria: Invitae Variant Classification Sherloc (09022015). Collection method: clinical testing. Allele origin: germline.
Comment: This sequence change replaces valine, which is neutral and non-polar, with isoleucine, which is neutral and non-polar, at codon 343 of the FOXH1 protein (p.Val343Ile). This variant is present in population databases (no rsID available, gnomAD 0.006%). This variant has not been reported in the literature in individuals affected with FOXH1-related conditions. ClinVar contains an entry for this variant (Variation ID: 1704011). Invitae Evidence Modeling of protein sequence and biophysical properties (such as structural, functional, and spatial information, amino acid conservation, physicochemical variation, residue mobility, and thermodynamic stability) indicates that this missense variant is not expected to disrupt FOXH1 protein function with a negative predictive value of 80%. In summary, the available evidence is currently insufficient to determine the role of this variant in disease. Therefore, it has been classified as a Variant of Uncertain Significance.

GeneDx
Classification: Uncertain significance. Last evaluated: 2022-03-02. Review status: criteria provided, single submitter. Criteria: GeneDx Variant Classification Process June 2021. Collection method: clinical testing. Allele origin: germline. Affected: yes.
Comment: In silico analysis supports that this missense variant does not alter protein structure/function; Has not been previously published as pathogenic or benign to our knowledge

NM_003923.3(FOXH1):c.1027G>A (p.Val343Ile)

Gene: FOXH1 (forkhead box H1; minus strand). Cytogenetic location: 8q24.3.
Variant type: single nucleotide variant.
Coding change: c.1027G>A on transcript NM_003923.3 (MANE Select); coding-DNA position 1027, G replaced by A.
Protein change: p.Val343Ile; replaces valine 343 with isoleucine.
Molecular consequence: missense variant.
Genome position (GRCh38, 1-based): chr8:144,474,309, C>T on the plus strand (G>A on the coding strand, the complement: FOXH1 is on the minus strand). VCF-style: chr8-144474309-C-T. GRCh37 (hg19) VCF-style: chr8-145699692-C-T.
Other names: c.1027G>A (NM_003923.2); short protein forms V343I.
Identifiers: ClinVar variation 1704011 (VCV001704011.4), dbSNP rs923325138, ClinGen allele CA187724521.
Genomic context (GRCh38, chr8:144,474,309, plus strand): 5'-ACCAGGAGAGCAGCCAGCCTGGGCCAGGGGCCGCCAGGTCCCGAGGGTGGCTGACCCAAA[C>T]GTCGTAGATGCTTTTGTTGGGTGGCACCCCTTGGAAGAGGGCGTCTAGATCGCAGAGCAG-3'
Protein context (NP_003914.1, residues 333-353): GVPPNKSIYD[Val343Ile]WVSHPRDLAA